The following is an entry in ClinVar:

ClinVar aggregate classification (germline): Pathogenic/Likely pathogenic. Review status: criteria provided, multiple submitters, no conflicts (2 of 4 stars). 5 submissions from 5 submitters: Pathogenic (4); Likely pathogenic (1). Last evaluated 2025-06-05.

Conditions:
Familial cancer of breast. Also called: BREAST CANCER, FAMILIAL; Hereditary breast cancer; hereditary breast carcinoma. Identifiers: Orphanet 227535, MedGen C0346153, MONDO:0016419, OMIM 114480. Disease mechanism: loss of function.
Hereditary cancer-predisposing syndrome. Also called: Neoplastic Syndromes, Hereditary; Hereditary Cancer Syndrome; Tumor predisposition; Hereditary neoplastic syndrome. Identifiers: Orphanet 140162, MedGen C0027672, MeSH D009386, MONDO:0015356.

Submissions (5):

Ambry Genetics
Classification: Pathogenic for Hereditary cancer-predisposing syndrome. Last evaluated: 2025-06-05. Review status: criteria provided, single submitter. Criteria: Ambry Variant Classification Scheme 2023. Collection method: clinical testing. Allele origin: germline.
Comment: The c.1114dupA pathogenic mutation, located in coding exon 4 of the PALB2 gene, results from a duplication of A at nucleotide position 1114, causing a translational frameshift with a predicted alternate stop codon (p.S372Kfs*2). This variant is considered to be rare based on population cohorts in the Genome Aggregation Database (gnomAD). This alteration is expected to result in loss of function by premature protein truncation or nonsense-mediated mRNA decay. As such, this alteration is interpreted as a disease-causing mutation.

Labcorp Genetics (formerly Invitae), Labcorp
Classification: Pathogenic for Familial cancer of breast. Last evaluated: 2024-04-01. Review status: criteria provided, single submitter. Criteria: Invitae Variant Classification Sherloc (09022015). Collection method: clinical testing. Allele origin: germline.
Comment: This sequence change creates a premature translational stop signal (p.Ser372Lysfs*2) in the PALB2 gene. It is expected to result in an absent or disrupted protein product. Loss-of-function variants in PALB2 are known to be pathogenic (PMID: 17200668, 17200671, 17200672, 24136930, 25099575). This variant is not present in population databases (gnomAD no frequency). This variant has not been reported in the literature in individuals affected with PALB2-related conditions. ClinVar contains an entry for this variant (Variation ID: 402290). For these reasons, this variant has been classified as Pathogenic.

Myriad Genetics, Inc.
Classification: Pathogenic for Familial cancer of breast. Last evaluated: 2023-09-07. Review status: criteria provided, single submitter. Criteria: Myriad Autosomal Dominant, Autosomal Recessive and X-Linked Classification Criteria (2023). Collection method: clinical testing. Allele origin: unknown.
Comment: This variant is considered pathogenic. This variant creates a frameshift predicted to result in premature protein truncation.

Baylor Genetics
Classification: Likely pathogenic for Familial cancer of breast. Last evaluated: 2022-08-02. Review status: criteria provided, single submitter. Criteria: ACMG Guidelines, 2015. Collection method: clinical testing. Allele origin: unknown.

GeneDx
Classification: Pathogenic. Last evaluated: 2017-06-23. Review status: criteria provided, single submitter. Criteria: GeneDx Variant Classification (06012015). Collection method: clinical testing. Allele origin: germline. Affected: yes.
Comment: This duplication of one nucleotide in PALB2 is denoted c.1114dupA at the cDNA level and p.Ser372LysfsX2 (S372KfsX2) at the protein level. The normal sequence, with the base that is duplicated in brackets, is GGAA[dupA]GTGA. The duplication causes a frameshift which changes a Serine to a Lysine at codon 372, and creates a premature stop codon at position 2 of the new reading frame. Although this variant has not, to our knowledge, been reported in the literature, it is predicted to cause loss of normal protein function through either protein truncation or nonsense-mediated mRNA decay. We consider this variant to be pathogenic.

Literature cited by the submitters: PubMed 17200668 (cited by Labcorp Genetics (formerly Invitae), Labcorp); PubMed 17200671 (cited by Labcorp Genetics (formerly Invitae), Labcorp); PubMed 17200672 (cited by Labcorp Genetics (formerly Invitae), Labcorp); PubMed 24136930 (cited by Labcorp Genetics (formerly Invitae), Labcorp); PubMed 25099575 (cited by Labcorp Genetics (formerly Invitae), Labcorp).

NM_024675.4(PALB2):c.1114dup (p.Ser372fs)

Gene: PALB2 (partner and localizer of BRCA2; minus strand). Cytogenetic location: 16p12.2.
Variant type: Duplication.
Coding change: c.1114dup on transcript NM_024675.4 (MANE Select); coding-DNA position 1114, one base duplicated (A; older notation c.1114dupA).
Protein change: p.Ser372fs; shifts the reading frame from serine 372.
Molecular consequence: frameshift variant.
Genome position (GRCh38, 1-based): chr16:23,635,432, T duplicated on the plus strand (A on the coding strand, the reverse complement: PALB2 is on the minus strand); the first of 3 consecutive T bases (chr16:23,635,432-23,635,434); duplicating any one gives the same sequence. VCF-style (leftmost placement, unchanged base first): chr16-23635431-C-CT. GRCh37 (hg19) VCF-style: chr16-23646752-C-CT.
Other names: c.1114dupA (NM_024675.3); short protein forms S372fs.
Identifiers: ClinVar variation 402290 (VCV000402290.17), dbSNP rs1060499815, ClinGen allele CA16609600.